The following is an entry in ClinVar:

ClinVar aggregate classification (germline): Likely benign. Review status: criteria provided, single submitter (1 of 4 stars). 2 submissions from 2 submitters: Likely benign (1). 1 of the submissions does not count toward it. Last evaluated 2022-02-02.

Conditions:
COL4A6-related disorder. Also called: COL4A6-related condition.

Allele frequency attached by ClinVar (database versions not stated): gnomAD 0.00001; TOPMed 0.00001.
gnomAD v4.1: 1 of 1,196,828 alleles (0.000084%); highest among the groups gnomAD compares: Admixed American, 0.0022%; no homozygotes.

Submissions (2):

Labcorp Genetics (formerly Invitae), Labcorp
Classification: Likely benign. Last evaluated: 2022-02-02. Review status: criteria provided, single submitter. Criteria: Invitae Variant Classification Sherloc (09022015). Collection method: clinical testing. Allele origin: germline.

PreventionGenetics, part of Exact Sciences
Classification: Likely benign for COL4A6-related condition. Last evaluated: 2022-05-24. Review status: no assertion criteria provided. Collection method: clinical testing. Allele origin: germline. Not counted in ClinVar's aggregate classification.
Comment: This variant is classified as likely benign based on ACMG/AMP sequence variant interpretation guidelines (Richards et al. 2015 PMID: 25741868, with internal and published modifications).

NM_033641.4(COL4A6):c.4521C>T (p.Asp1507=)

Gene: COL4A6 (collagen type IV alpha 6 chain; minus strand). Cytogenetic location: Xq22.3.
Variant type: single nucleotide variant.
Coding change: c.4521C>T on transcript NM_033641.4 (MANE Select); coding-DNA position 4521, C replaced by T.
Protein change: p.Asp1507=; no amino-acid change (aspartic acid 1507 retained).
Molecular consequence: synonymous variant.
Genome position (GRCh38, 1-based): chrX:108,160,467, G>A on the plus strand (C>T on the coding strand, the complement: COL4A6 is on the minus strand). VCF-style: chrX-108160467-G-A. GRCh37 (hg19) VCF-style: chrX-107403697-G-A.
Other names: c.4524C>T (NM_001847.3); c.4572C>T, p.Asp1524= (NM_001287758.2); c.4449C>T, p.Asp1483= (NM_001287759.2); c.4350C>T, p.Asp1450= (NM_001287760.2); c.4524C>T, p.Asp1508= (NM_001847.4).
Identifiers: ClinVar variation 1896144 (VCV001896144.7), dbSNP rs1258217409, ClinGen allele CA517926983.